The following is an entry in ClinVar:

ClinVar aggregate classification (germline): Uncertain significance (1 of 4 stars; one submission).

Submission:

GeneDx
Classification: Uncertain significance. Last evaluated: 2025-03-27. Review status: criteria provided, single submitter. Criteria: GeneDx Variant Classification Process June 2021. Collection method: clinical testing. Allele origin: germline. Affected: yes.
Comment: Not observed at significant frequency in large population cohorts (gnomAD); In silico analysis supports that this missense variant has a deleterious effect on protein structure/function; Has not been previously published as pathogenic or benign to our knowledge

NM_005120.3(MED12):c.1835A>T (p.Asn612Ile)

Gene: MED12 (mediator complex subunit 12; plus strand). Cytogenetic location: Xq13.1.
Variant type: single nucleotide variant.
Coding change: c.1835A>T on transcript NM_005120.3 (MANE Select); coding-DNA position 1835, A replaced by T.
Protein change: p.Asn612Ile; replaces asparagine 612 with isoleucine.
Molecular consequence: missense variant.
Genome position (GRCh38, 1-based): chrX:71,124,249, A>T. VCF-style: chrX-71124249-A-T. GRCh37 (hg19) VCF-style: chrX-70344099-A-T.
Other names: short protein forms N612I.
Identifiers: ClinVar variation 4088060 (VCV004088060.1).